The following is an entry in ClinVar:

NM_000492.4(CFTR):c.4231C>T (p.Gln1411Ter)

Gene: CFTR (CF transmembrane conductance regulator; plus strand). Cytogenetic location: 7q31.2.
Variant type: single nucleotide variant.
Coding change: c.4231C>T on transcript NM_000492.4 (MANE Select); coding-DNA position 4231, C replaced by T.
Protein change: p.Gln1411Ter; replaces glutamine 1411 with a stop codon.
Molecular consequence: nonsense.
Genome position (GRCh38, 1-based): chr7:117,665,553, C>T. VCF-style: chr7-117665553-C-T. GRCh37 (hg19) VCF-style: chr7-117305607-C-T.
Other names: short protein forms Q1411*.
Identifiers: ClinVar variation 53925 (VCV000053925.10), dbSNP rs397508701, ClinGen allele CA327459.
Genomic context (GRCh38, chr7:117,665,553, plus strand): 5'-GCATTTGCTGATTGCACAGTAATTCTCTGTGAACACAGGATAGAAGCAATGCTGGAATGC[C>T]AACAATTTTTGGTGAGTCTTTATAACTTTACTTAAGATCTCATTGCCCTTGTAATTCTTG-3'

ClinVar aggregate classification (germline): Pathogenic. Review status: reviewed by expert panel (3 of 4 stars). 7 submissions from 7 submitters: Pathogenic (1). 6 of the submissions do not count toward it. Last evaluated 2017-03-17.

Conditions:
CFTR-related disorder (CFTR-RD). Also called: CFTR-related disorders; CFTR-related condition. Identifiers: MedGen C5924204, MONDO:7770004.
Cystic fibrosis (CF). Also called: MUCOVISCIDOSIS. Identifiers: Orphanet 586, MedGen C0010674, MONDO:0009061, OMIM 219700. Disease mechanism: loss of function.

Submissions (7):

CFTR2
Classification: Pathogenic for Cystic fibrosis. Last evaluated: 2017-03-17. Review status: reviewed by expert panel. Criteria: Sosnay PR et al. (Nat Genet 2013). Collection method: research. Allele origin: germline. Affected: yes. Study: CFTR2.

Institute of Human Genetics, University of Leipzig Medical Center
Classification: Pathogenic for Cystic fibrosis. Last evaluated: 2022-09-05. Review status: criteria provided, single submitter. Criteria: ACMG Guidelines, 2015. Collection method: curation. Allele origin: unknown. Affected: yes. Observed: 3 variant alleles. Not counted in ClinVar's aggregate classification.
Comment: This variant was identified in 3 unrelated patients with a clinically confirmed diagnosis of cystic fibrosis. The variant was classified in the context of a project re-classifying variants in the German Cystic Fibrosis Registry (Muko.e.V.). Criteria applied: PVS1_STR, PS3_SUP, PM3_STR, PM2_SUP, PP4

Genome-Nilou Lab
Classification: Pathogenic for Cystic fibrosis. Last evaluated: 2021-07-22. Review status: criteria provided, single submitter. Criteria: ACMG Guidelines, 2015. Collection method: clinical testing. Allele origin: germline. Affected: no. Not counted in ClinVar's aggregate classification.

CFTR-France
Classification: Pathogenic for cystic fibrosis. Last evaluated: 2018-01-29. Review status: criteria provided, single submitter. Criteria: Claustres M et al. (Hum Mutat 2017). Collection method: curation. Allele origin: germline. Affected: yes. Not counted in ClinVar's aggregate classification.

Ambry Genetics
Classification: Pathogenic for Cystic fibrosis. Last evaluated: 2015-07-23. Review status: criteria provided, single submitter. Criteria: Ambry Variant Classification Scheme 2023. Collection method: clinical testing. Allele origin: germline. Not counted in ClinVar's aggregate classification.
Comment: The p.Q1411* pathogenic mutation (also known as c.4231C>T) located in coding exon 26 of the CFTR gene, results from a C to T substitution at nucleotide position 4231. This changes the amino acid from a glutamine to a stop codon within coding exon 26. A functional study from cells carrying this mutation indicated that deletion of the C terminus compromises stability of CFTR (Haardt M et al,, J. Biol. Chem. 1999 Jul; 274(31):21873-7). In addition, since premature stop codons are typically deleterious in nature, this alteration is interpreted as a disease-causing mutation (ACMG Recommendations for Standards for Interpretation and Reporting of Sequence Variations. Revision 2007. Genet Med. 2008;10:294).

Kariminejad - Najmabadi Pathology & Genetics Center
Classification: Pathogenic for Cystic fibrosis. Review status: criteria provided, single submitter. Criteria: ACMG Guidelines, 2015. Collection method: clinical testing. Allele origin: germline. Affected: no. Not counted in ClinVar's aggregate classification.

Natera, Inc.
Classification: Pathogenic for CFTR-related disorders. Last evaluated: 2017-03-17. Review status: no assertion criteria provided. Collection method: clinical testing. Allele origin: germline. Not counted in ClinVar's aggregate classification.

Literature cited by the submitters: PubMed 10419506 (cited by Ambry Genetics).